The following is an entry in ClinVar:

ClinVar aggregate classification (germline): Likely pathogenic. Review status: criteria provided, multiple submitters, no conflicts (2 of 4 stars). 2 submissions from 2 submitters: Likely pathogenic (2). Last evaluated 2024-07-29.

Conditions:
Eichsfeld type congenital muscular dystrophy (CMYO3). Also called: Rigid spine muscular dystrophy 1; MYOPATHY, SEPN1-RELATED; SELENON-related myopathy; Congenital myopathy 3 with rigid spine. Identifiers: MedGen C0410180, MONDO:0100100, OMIM 602771.

Allele frequency attached by ClinVar (database versions not stated): gnomAD exomes below 0.00001; TOPMed below 0.00001.
gnomAD v4.1: 1 of 1,613,614 alleles (0.000062%); highest among the groups gnomAD compares: Admixed American, 0.0017%; no homozygotes.

Submissions (2):

Labcorp Genetics (formerly Invitae), Labcorp
Classification: Likely pathogenic for Eichsfeld type congenital muscular dystrophy. Last evaluated: 2024-07-29. Review status: criteria provided, single submitter. Criteria: Invitae Variant Classification Sherloc (09022015). Collection method: clinical testing. Allele origin: germline.
Comment: This sequence change affects an acceptor splice site in intron 7 of the SELENON gene. It is expected to disrupt RNA splicing. Variants that disrupt the donor or acceptor splice site typically lead to a loss of protein function (PMID: 16199547), and loss-of-function variants in SELENON are known to be pathogenic (PMID: 21131290, 21670436). This variant is present in population databases (no rsID available, gnomAD 0.003%). This variant has not been reported in the literature in individuals affected with SELENON-related conditions. ClinVar contains an entry for this variant (Variation ID: 1067976). Algorithms developed to predict the effect of sequence changes on RNA splicing suggest that this variant may disrupt the consensus splice site. In summary, the currently available evidence indicates that the variant is pathogenic, but additional data are needed to prove that conclusively. Therefore, this variant has been classified as Likely Pathogenic.

Broad Center for Mendelian Genomics, Broad Institute of MIT and Harvard
Classification: Likely pathogenic. Last evaluated: 2023-01-24. Review status: criteria provided, single submitter. Criteria: ACMG Guidelines, 2015. Collection method: curation. Allele origin: germline. Inheritance: Autosomal recessive inheritance.
Comment: The c.1011-1G>C variant in SELENON has not been previously reported in the literature in individuals with SELENON-RM but has been identified in 0.003% (1/34526) of Latino/Admixed American chromosomes by the Genome Aggregation Database (gnomAD; dbSNP ID: rs1333001112). Although this variant has been seen in the general population in a heterozygous state, its frequency is low enough to be consistent with a recessive carrier frequency. This variant has also been reported in ClinVar (Variation ID#: 1067976) and has been interpreted as likely pathogenic by Invitae. This variant is located in the 3' splice region. Computational tools predict a splicing impact, though this information is not predictive enough to determine pathogenicity. Loss of function of the SELENON gene is an established disease mechanism in autosomal recessive SELENON-RM. In summary, although additional studies are required to fully establish its clinical significance, this variant is likely pathogenic for autosomal recessive SELENON-RM. ACMG/AMP Criteria applied: PVS1, PM2 (Richards 2015).

Literature cited by the submitters: PubMed 16199547 (cited by Labcorp Genetics (formerly Invitae), Labcorp); PubMed 21131290 (cited by Labcorp Genetics (formerly Invitae), Labcorp); PubMed 21670436 (cited by Labcorp Genetics (formerly Invitae), Labcorp).

NM_206926.2(SELENON):c.909-1G>C

Gene: SELENON (selenoprotein N; plus strand). Cytogenetic location: 1p36.11.
Variant type: single nucleotide variant.
Coding change: c.909-1G>C on transcript NM_206926.2 (MANE Select); the canonical splice acceptor site of the intron before coding-DNA position 909, G replaced by C.
Molecular consequence: splice acceptor variant.
Genome position (GRCh38, 1-based): chr1:25,811,453, G>C. VCF-style: chr1-25811453-G-C. GRCh37 (hg19) VCF-style: chr1-26137944-G-C.
Other names: c.1011-1G>C (NM_020451.3).
Identifiers: ClinVar variation 1067976 (VCV001067976.7), dbSNP rs1333001112, ClinGen allele CA339116059.
Genomic context (GRCh38, chr1:25,811,453, plus strand): 5'-ATAAAGTGTGACACAGATAATGGGCTTTGATGATGGTGTCACTCTGCCCTGGCCATCCCA[G>C]GTCTCTGAATGTGGACATGGAGTGGCTTTACGGGGCCAGTGAAAGCAGCAACATGGAGGT-3'